The following is an entry in ClinVar:

NC_000017.10:g.(?_41247843)_(41247959_?)del

Gene: BRCA1 (BRCA1 DNA repair associated; minus strand). Cytogenetic location: 17q21.31.
Variant type: Deletion.
Identifiers: ClinVar variation 1433422 (VCV001433422.9).

ClinVar aggregate classification (germline): Uncertain significance (1 of 4 stars; one submission).

Conditions:
Hereditary breast ovarian cancer syndrome. Also called: Hereditary breast and ovarian cancer syndrome (HBOC); Breast and ovarian cancer; BRCA1- and BRCA2-Associated Hereditary Breast and Ovarian Cancer; Hereditary breast and/or ovarian cancer syndrome; Hereditary breast and ovarian cancer; Hereditary breast and ovarian cancer syndrome. Identifiers: Orphanet 145, MedGen C0677776, MeSH D061325, MONDO:0003582. Disease mechanism: loss of function.

Submission:

Labcorp Genetics (formerly Invitae), Labcorp
Classification: Uncertain significance for Hereditary breast ovarian cancer syndrome. Last evaluated: 2021-04-02. Review status: criteria provided, single submitter. Criteria: Invitae Variant Classification Sherloc (09022015). Collection method: clinical testing. Allele origin: germline.
Comment: Loss-of-function variants in BRCA1 are expected to be pathogenic (PMID: 20104584). However, detailed characterization of the splicing patterns of the BRCA1 gene has identified an in-frame BRCA1 isoform lacking exons 8 and 9 (also known as exons 9 and 10). This Œî8-9 isoform is highly expressed in normal breast tissue and blood of unaffected individuals, suggesting it may not be deleterious. In addition, this naturally occurring isoform results in the in-frame deletion of 41 amino acid residues that do not overlap a known clinically important functional domain of the BRCA1 protein, and therefore may retain functional activity (PMID: 24569164, 30832263). Taken together, these observations suggest that the Œî8-9 isoform has the potential to maintain BRCA1 protein function and rescue loss-of-function variants within these exons (PMID: 24569164, 27008870). Additional clinical and/or functional data is required to establish the pathogenicity of these variants. This variant has been observed in individual(s) with a personal and/or family history of breast and/or ovarian cancer (PMID: 29483665). This variant is also known as c.594-203_671-471del. This variant is a gross deletion of the genomic region encompassing exon(s) 9 of the BRCA1 gene. It is expected to result in an absent or disrupted protein product. However, this variant may be functionally rescued by a naturally occurring isoform of BRCA1 lacking exons 8 and 9. In summary, the available evidence is currently insufficient to determine the role of this variant in disease. Therefore, it has been classified as a Variant of Uncertain Significance.

Literature cited by the submitters: PubMed 20104584; PubMed 24569164; PubMed 30832263; PubMed 27008870; PubMed 29483665.